The following is an entry in ClinVar:

ClinVar aggregate classification (germline): Uncertain significance (1 of 4 stars; one submission).

Submission:

Labcorp Genetics (formerly Invitae), Labcorp
Classification: Uncertain significance. Last evaluated: 2021-12-29. Review status: criteria provided, single submitter. Criteria: Invitae Variant Classification Sherloc (09022015). Collection method: clinical testing. Allele origin: germline.
Comment: This variant, c.3286_3309dup, results in the insertion of 8 amino acid(s) of the AEBP1 protein (p.Glu1096_Thr1103dup), but otherwise preserves the integrity of the reading frame. This variant is not present in population databases (gnomAD no frequency). This variant has not been reported in the literature in individuals affected with AEBP1-related conditions. In summary, the available evidence is currently insufficient to determine the role of this variant in disease. Therefore, it has been classified as a Variant of Uncertain Significance.

NM_001129.5(AEBP1):c.3286_3309dup (p.Glu1096_Thr1103dup)

Gene: AEBP1 (AE binding protein 1; plus strand). Cytogenetic location: 7p13.
Variant type: Duplication.
Coding change: c.3286_3309dup on transcript NM_001129.5 (MANE Select); coding-DNA positions 3286 to 3309, 24 bases duplicated (GAGGTGGAGCCCGAGTTTGGGACC).
Protein change: p.Glu1096_Thr1103dup.
Molecular consequence: inframe insertion.
Genome position (GRCh38, 1-based): chr7:44,114,070-44,114,093, GAGGTGGAGCCCGAGTTTGGGACC duplicated; duplicating any 24 consecutive bases within chr7:44,114,058-44,114,093 gives the same sequence; the c. name uses the placement nearest the transcript's 3' end. VCF-style (leftmost placement, unchanged base first): chr7-44114057-A-AGAGTTTGGGACCGAGGTGGAGCCC. GRCh37 (hg19) VCF-style: chr7-44153656-A-AGAGTTTGGGACCGAGGTGGAGCCC.
Identifiers: ClinVar variation 1435472 (VCV001435472.5), dbSNP rs1196399014, ClinGen allele CA1100755589.